The following is an entry in ClinVar:

NM_016222.4(DDX41):c.1865dup (p.Ter623LeuextTer?)

Gene: DDX41 (DEAD-box helicase 41; minus strand). Cytogenetic location: 5q35.3.
Variant type: Duplication.
Coding change: c.1865dup on transcript NM_016222.4 (MANE Select); coding-DNA position 1865, one base duplicated (T; older notation c.1865dupT).
Protein change: p.Ter623LeuextTer?.
Molecular consequence: frameshift variant.
Genome position (GRCh38, 1-based): chr5:177,511,795, A duplicated on the plus strand (T on the coding strand, the reverse complement: DDX41 is on the minus strand); the first of 2 consecutive A bases (chr5:177,511,795-177,511,796); duplicating either gives the same sequence. VCF-style (leftmost placement, unchanged base first): chr5-177511794-G-GA. GRCh37 (hg19) VCF-style: chr5-176938795-G-GA.
Other names: c.1487dup, p.Ter497LeuextTer? (NM_001321732.2, NM_001321830.2).
Identifiers: ClinVar variation 4617192 (VCV004617192.1).
Genomic context (GRCh38, chr5:177,511,794, plus strand): 5'-AGACTGGTGGCAGTCTTGGGGACTGAGGCCTCTTGGAGAGAAGGGAAGACTGTCGGCTCA[G>GA]AAGTCCATGGAGCTGTGGGCCAGGTAGTCCTTGCGACCGATGTTGCTGACCTGCTTGGTC-3'

ClinVar aggregate classification (germline): Uncertain significance (1 of 4 stars; one submission).

Conditions:
Inborn genetic diseases. Identifiers: MedGen C0950123, MeSH D030342.

Submission:

Ambry Genetics
Classification: Uncertain significance for Inborn genetic diseases. Last evaluated: 2025-11-12. Review status: criteria provided, single submitter. Criteria: Ambry Variant Classification Scheme 2023. Collection method: clinical testing. Allele origin: germline.
Comment: The c.1865dupT variant, located in coding exon 17 of the DDX41 gene, results from a duplication of T at nucleotide position 1865, causing a translational frameshift with a predicted alternate stop codon (p.*623Lext*77). This alteration disrupts the stop codon of the DDX41 gene and is predicted to preserve the native sequence while resulting in the elongation of the protein by 73 amino acids. The exact functional effect of the additional amino acids is unknown. Based on the available evidence, the clinical significance of this variant remains unclear.